The following is an entry in ClinVar:

NM_004370.6(COL12A1):c.2302G>C (p.Val768Leu)

Gene: COL12A1 (collagen type XII alpha 1 chain; minus strand). Cytogenetic location: 6q13.
Variant type: single nucleotide variant.
Coding change: c.2302G>C on transcript NM_004370.6 (MANE Select); coding-DNA position 2302, G replaced by C.
Protein change: p.Val768Leu; replaces valine 768 with leucine.
Molecular consequence: missense variant. On other transcripts: intron variant (2).
Genome position (GRCh38, 1-based): chr6:75,177,798, C>G on the plus strand (G>C on the coding strand, the complement: COL12A1 is on the minus strand). VCF-style: chr6-75177798-C-G. GRCh37 (hg19) VCF-style: chr6-75887514-C-G.
Other names: c.2302G>C, p.Val768Leu (NM_001424113.1, NM_001424114.1, NM_001424115.1); c.73+24922G>C (NM_001424116.1, NM_080645.3); short protein forms V768L.
Identifiers: ClinVar variation 4782481 (VCV004782481.1).

ClinVar aggregate classification (germline): Uncertain significance (1 of 4 stars; one submission).

Conditions:
Ullrich congenital muscular dystrophy 2 (UCMD2). Identifiers: Orphanet 75840, MedGen C4225314, MONDO:0014654, OMIM 616470.
Bethlem myopathy 2 (BTHLM2). Identifiers: Orphanet 536516, Orphanet 610, MedGen C4225313, MONDO:0034022, OMIM 616471.

gnomAD v4.1: 10 of 1,614,082 alleles (0.00062%); highest among the groups gnomAD compares: Non-Finnish European, 0.00085%; no homozygotes.

Submission:

Labcorp Genetics (formerly Invitae), Labcorp
Classification: Uncertain significance for Bethlem myopathy 2; Ullrich congenital muscular dystrophy 2. Last evaluated: 2025-08-09. Review status: criteria provided, single submitter. Criteria: Invitae Variant Classification Sherloc (09022015). Collection method: clinical testing. Allele origin: germline.
Comment: This sequence change replaces valine, which is neutral and non-polar, with leucine, which is neutral and non-polar, at codon 768 of the COL12A1 protein (p.Val768Leu). This variant is not present in population databases (gnomAD no frequency). This variant has not been reported in the literature in individuals affected with COL12A1-related conditions. Invitae Evidence Modeling of protein sequence and biophysical properties (such as structural, functional, and spatial information, amino acid conservation, physicochemical variation, residue mobility, and thermodynamic stability) indicates that this missense variant is not expected to disrupt COL12A1 protein function with a negative predictive value of 80%. In summary, the available evidence is currently insufficient to determine the role of this variant in disease. Therefore, it has been classified as a Variant of Uncertain Significance.